The following is an entry in ClinVar:

ClinVar aggregate classification (germline): Uncertain significance (1 of 4 stars; one submission).

Conditions:
Cardiovascular phenotype. Identifiers: MedGen CN230736.

Allele frequency attached by ClinVar (database versions not stated): gnomAD exomes below 0.00001.
gnomAD v4.1: 2 of 1,594,074 alleles (0.00013%); highest among the groups gnomAD compares: Non-Finnish European, 0.00017%; no homozygotes.

Submission:

Ambry Genetics
Classification: Uncertain significance for Cardiovascular phenotype. Last evaluated: 2023-05-26. Review status: criteria provided, single submitter. Criteria: Ambry Variant Classification Scheme 2023. Collection method: clinical testing. Allele origin: germline.
Comment: The p.S1152N variant (also known as c.3455G>A), located in coding exon 8 of the TNXB gene, results from a G to A substitution at nucleotide position 3455. The serine at codon 1152 is replaced by asparagine, an amino acid with highly similar properties. This amino acid position is conserved. In addition, this alteration is predicted to be tolerated by in silico analysis. Since supporting evidence is limited at this time, the clinical significance of this alteration remains unclear.

NM_001365276.2(TNXB):c.3455G>A (p.Ser1152Asn)

Gene: TNXB (tenascin XB; minus strand). Cytogenetic location: 6p21.33.
Variant type: single nucleotide variant.
Coding change: c.3455G>A on transcript NM_001365276.2 (MANE Select); coding-DNA position 3455, G replaced by A.
Protein change: p.Ser1152Asn; replaces serine 1152 with asparagine.
Molecular consequence: missense variant.
Genome position (GRCh38, 1-based): chr6:32,082,317, C>T on the plus strand (G>A on the coding strand, the complement: TNXB is on the minus strand). VCF-style: chr6-32082317-C-T. GRCh37 (hg19) VCF-style: chr6-32050094-C-T.
Other names: c.3455G>A, p.Ser1152Asn (NM_019105.8); short protein forms S1152N.
Identifiers: ClinVar variation 2565751 (VCV002565751.2), dbSNP rs2483679351, ClinGen allele CA363439333.